The following is an entry in ClinVar:

ClinVar aggregate classification (germline): Uncertain significance (0 of 4 stars; one submission).

Conditions:
DNAH6-related disorder. Also called: DNAH6-related condition.

gnomAD v4.1: 8 of 1,544,026 alleles (0.00052%); highest among the groups gnomAD compares: Non-Finnish European, 0.0007%; no homozygotes.

Submission:

PreventionGenetics, part of Exact Sciences
Classification: Uncertain significance for DNAH6-related condition. Last evaluated: 2024-03-06. Review status: no assertion criteria provided. Collection method: clinical testing. Allele origin: germline.
Comment: The DNAH6 c.7226A>G variant is predicted to result in the amino acid substitution p.Tyr2409Cys. To our knowledge, this variant has not been reported in the literature. This variant is reported in 0.0014% of alleles in individuals of European (Non-Finnish) descent in gnomAD. At this time, the clinical significance of this variant is uncertain due to the absence of conclusive functional and genetic evidence.

NM_001370.2(DNAH6):c.7226A>G (p.Tyr2409Cys)

Gene: DNAH6 (dynein axonemal heavy chain 6; plus strand). Cytogenetic location: 2p11.2.
Variant type: single nucleotide variant.
Coding change: c.7226A>G on transcript NM_001370.2 (MANE Select); coding-DNA position 7226, A replaced by G.
Protein change: p.Tyr2409Cys; replaces tyrosine 2409 with cysteine.
Molecular consequence: missense variant.
Genome position (GRCh38, 1-based): chr2:84,688,527, A>G. VCF-style: chr2-84688527-A-G. GRCh37 (hg19) VCF-style: chr2-84915651-A-G.
Other names: short protein forms Y2409C.
Identifiers: ClinVar variation 3354296 (VCV003354296.1).